The following is an entry in ClinVar:

NM_004082.5(DCTN1):c.3650C>G (p.Ala1217Gly)

Gene: DCTN1 (dynactin subunit 1; minus strand). Cytogenetic location: 2p13.1.
Variant type: single nucleotide variant.
Coding change: c.3650C>G on transcript NM_004082.5 (MANE Select); coding-DNA position 3650, C replaced by G.
Protein change: p.Ala1217Gly; replaces alanine 1217 with glycine.
Molecular consequence: missense variant. On other transcripts: non-coding transcript variant (1).
Genome position (GRCh38, 1-based): chr2:74,362,101, G>C on the plus strand (C>G on the coding strand, the complement: DCTN1 is on the minus strand). VCF-style: chr2-74362101-G-C. GRCh37 (hg19) VCF-style: chr2-74589228-G-C.
Other names: c.3248C>G, p.Ala1083Gly (NM_023019.4); c.3575C>G, p.Ala1192Gly (NM_001135040.3); c.3233C>G, p.Ala1078Gly (NM_001135041.3); c.3524C>G, p.Ala1175Gly (NM_001190836.2); c.3629C>G, p.Ala1210Gly (NM_001190837.2); c.3599C>G, p.Ala1200Gly (NM_001378991.1); c.3581C>G, p.Ala1194Gly (NM_001378992.1); short protein forms A1175G, A1192G, A1078G, A1083G, A1210G, A1194G, A1200G, A1217G.
Identifiers: ClinVar variation 2170871 (VCV002170871.4), dbSNP rs760627140, ClinGen allele CA1721403.
Genomic context (GRCh38, chr2:74,362,101, plus strand): 5'-CTCCCCCTCACCCTGAGGAAGGCTGATGAAGGGAAGGTGGCAAAGTCAGTGGGTACTGTG[G>C]CTCCAGGGCGCTGAGATACTGTCTCCTTGAGGACCTCATCCTAGGGAAGGGGAGAGGAAG-3'
Protein context (NP_004073.2, residues 1207-1227): LKETVSQRPG[Ala1217Gly]TVPTDFATFP

ClinVar aggregate classification (germline): Uncertain significance (1 of 4 stars; one submission).

Conditions:
Amyotrophic lateral sclerosis type 1 (ALS1). Also called: AMYOTROPHIC LATERAL SCLEROSIS 1, FAMILIAL. Identifiers: Orphanet 803, MedGen C1862939, MONDO:0007103, OMIM 105400.
Neuronopathy, distal hereditary motor, type 7B. Also called: NEURONOPATHY, DISTAL HEREDITARY MOTOR, AUTOSOMAL DOMINANT 14; NEURONOPATHY, DISTAL HEREDITARY MOTOR, HARDING TYPE VIIB; NEUROPATHY, DISTAL HEREDITARY MOTOR, HARDING TYPE VIIB; NEUROPATHY, DISTAL HEREDITARY MOTOR, WITH VOCAL CORD PARALYSIS, HARDING TYPE VIIB; Distal Hereditary Motor Neuronopathy Type 7B (dHMN7B); HMN VIIB. Identifiers: Orphanet 139589, MedGen C1843315, MONDO:0011879, OMIM 607641.
Perry syndrome. Also called: PARKINSONISM WITH ALVEOLAR HYPOVENTILATION AND MENTAL DEPRESSION. Identifiers: Orphanet 178509, MedGen C1868594, MONDO:0008201, OMIM 168605.

Allele frequency attached by ClinVar (database versions not stated): ExAC 0.00001.
gnomAD v4.1: 3 of 1,613,834 alleles (0.00019%); highest among the groups gnomAD compares: Non-Finnish European, 0.00025%; no homozygotes.

Submission:

Labcorp Genetics (formerly Invitae), Labcorp
Classification: Uncertain significance for Amyotrophic lateral sclerosis type 1; Neuronopathy, distal hereditary motor, type 7B; Perry syndrome. Last evaluated: 2022-10-03. Review status: criteria provided, single submitter. Criteria: Invitae Variant Classification Sherloc (09022015). Collection method: clinical testing. Allele origin: germline.
Comment: In summary, the available evidence is currently insufficient to determine the role of this variant in disease. Therefore, it has been classified as a Variant of Uncertain Significance. Advanced modeling of protein sequence and biophysical properties (such as structural, functional, and spatial information, amino acid conservation, physicochemical variation, residue mobility, and thermodynamic stability) performed at Invitae indicates that this missense variant is not expected to disrupt DCTN1 protein function. This variant has not been reported in the literature in individuals affected with DCTN1-related conditions. This variant is present in population databases (rs760627140, gnomAD 0.0009%). This sequence change replaces alanine, which is neutral and non-polar, with glycine, which is neutral and non-polar, at codon 1217 of the DCTN1 protein (p.Ala1217Gly).